The following is an entry in ClinVar:

ClinVar aggregate classification (germline): Likely benign. Review status: criteria provided, multiple submitters, no conflicts (2 of 4 stars). 3 submissions from 3 submitters: Likely benign (3). Last evaluated 2022-05-01.

Conditions:
Neurodevelopmental disorder with progressive spasticity and brain white matter abnormalities. Also called: CEREBRAL PALSY, SPASTIC QUADRIPLEGIC, 1. Identifiers: Orphanet 210141, Orphanet 641353, MedGen C5436628, MONDO:0033613, OMIM 619026.

Allele frequency attached by ClinVar (database versions not stated): gnomAD exomes 0.00071 and 0.00128; ExAC 0.00135; ESP Exome Variant Server 0.00231; gnomAD 0.00250 and 0.00262; 1000 Genomes Project 30x 0.00265; 1000 Genomes Project 0.00280; TOPMed 0.00295.
gnomAD v4.1: 1,484 of 1,582,168 alleles (0.094%); highest among the groups gnomAD compares: Middle Eastern, 0.67%; 7 homozygotes.

Submissions (3):

CeGaT Center for Human Genetics Tuebingen
Classification: Likely benign. Last evaluated: 2022-05-01. Review status: criteria provided, single submitter. Criteria: CeGaT Center For Human Genetics Tuebingen Variant Classification Criteria Version 2. Collection method: clinical testing. Allele origin: germline. Affected: yes. Observed: 1 variant allele.
Comment: GAD1: BS1

Illumina Laboratory Services, Illumina
Classification: Likely benign. Last evaluated: 2017-04-27. Review status: criteria provided, single submitter. Criteria: ICSL Variant Classification Criteria 13 December 2019. Collection method: clinical testing. Allele origin: germline.
Comment: This variant was observed as part of a predisposition screen in an ostensibly healthy population. A literature search was performed for the gene, cDNA change, and amino acid change (where applicable). No publications were found based on this search. Allele frequency data from public databases allowed determination this variant is unlikely to cause disease. Therefore, this variant is classified as likely benign.

Breakthrough Genomics
Classification: Likely benign. Review status: criteria provided, single submitter. Criteria: ACMG Guidelines, 2015. Collection method: not provided. Allele origin: germline. Inheritance: Autosomal recessive inheritance. Affected: yes.

NM_000817.3(GAD1):c.-39A>C

Genes: GAD1 (glutamate decarboxylase 1; plus strand), GAD1-AS1 (GAD1 antisense RNA 1; minus strand). Cytogenetic location: 2q31.1.
Variant type: single nucleotide variant.
Coding change: c.-39A>C on transcript NM_000817.3 (MANE Select); 39 bases upstream of the start codon, A replaced by C.
Molecular consequence: 5 prime UTR variant.
Genome position (GRCh38, 1-based): chr2:170,818,553, A>C. VCF-style: chr2-170818553-A-C. GRCh37 (hg19) VCF-style: chr2-171675063-A-C.
Other names: c.-39A>C (NM_013445.4).
Identifiers: ClinVar variation 893995 (VCV000893995.30), dbSNP rs45617531, ClinGen allele CA1962455.